The following is an entry in ClinVar:

ClinVar aggregate classification (germline): Uncertain significance. Review status: criteria provided, multiple submitters, no conflicts (2 of 4 stars). 2 submissions from 2 submitters: Uncertain significance (2). Last evaluated 2026-07-01.

Conditions:
Glycogen storage disease, type II (IOPD). Also called: CARDIOMEGALIA GLYCOGENICA DIFFUSA; GLYCOGENOSIS, GENERALIZED, CARDIAC FORM; GSD II; Glycogen storage disease type 2; Acid maltase deficiency disease; Aglucosidase alfa. Identifiers: Orphanet 365, MedGen C0017921, MONDO:0009290, OMIM 232300.

gnomAD v4.1: 1 of 1,612,882 alleles (0.000062%); highest among the groups gnomAD compares: South Asian, 0.0011%; no homozygotes.

Submissions (2):

Genomenon, Inc
Classification: Uncertain significance for Glycogen storage disease, type II. Last evaluated: 2026-07-01. Review status: criteria provided, single submitter. Criteria: Genomenon Sequence Variant Interpretation Standards - Updated. Collection method: curation. Allele origin: germline. Affected: yes.
Comment: GAA p.His584Pro (c.1751A>C) is a missense variant that changes the amino acid at codon 584 from Histidine to Proline. This variant has been observed in at least one proband with a GAA-related disorder in the compound heterozygous and/or homozygous state (PMID:33741225). It is absent or not present at a significant frequency in gnomAD. In conclusion, we classify GAA p.His584Pro (c.1751A>C) as a variant of uncertain significance.

Women's Health and Genetics/Laboratory Corporation of America, LabCorp
Classification: Uncertain significance. Last evaluated: 2025-05-28. Review status: criteria provided, single submitter. Criteria: LabCorp Variant Classification Summary - May 2015. Collection method: clinical testing. Allele origin: germline.
Comment: Variant summary: GAA c.1751A>C (p.His584Pro) results in a non-conservative amino acid change in the encoded protein sequence. Algorithms developed to predict the effect of missense changes on protein structure and function all suggest that this variant is likely to be disruptive. The variant allele was found at a frequency of 4e-06 in 251184 control chromosomes. The available data on variant occurrences in the general population are insufficient to allow any conclusion about variant significance. c.1751A>C has been observed as compound heterozygous genotype in an individual affected with late onset Glycogen Storage Disease, Type 2 (Pompe Disease) (Puri_2021). These data do not allow any conclusion about variant significance. To our knowledge, no experimental evidence demonstrating an impact on protein function has been reported. The following publication have been ascertained in the context of this evaluation (PMID: 33741225). No submitters have cited clinical-significance assessments for this variant to ClinVar. Based on the evidence outlined above, the variant was classified as uncertain significance.

Literature cited by the submitters: PubMed 33741225 (cited by Genomenon, Inc and Women's Health and Genetics/Laboratory Corporation of America, LabCorp).

NM_000152.5(GAA):c.1751A>C (p.His584Pro)

Gene: GAA (alpha glucosidase; plus strand). Cytogenetic location: 17q25.3.
Variant type: single nucleotide variant.
Coding change: c.1751A>C on transcript NM_000152.5 (MANE Select); coding-DNA position 1751, A replaced by C.
Protein change: p.His584Pro; replaces histidine 584 with proline.
Molecular consequence: missense variant.
Genome position (GRCh38, 1-based): chr17:80,112,097, A>C. VCF-style: chr17-80112097-A-C. GRCh37 (hg19) VCF-style: chr17-78085896-A-C.
Other names: c.1751A>C, p.His584Pro (NM_001079803.3, NM_001079804.3, NM_001406741.1 and 1 more transcripts); short protein forms H584P.
Identifiers: ClinVar variation 3902624 (VCV003902624.2).